The following is an entry in ClinVar:

NM_005618.4(DLL1):c.1516G>A (p.Glu506Lys)

Gene: DLL1 (delta like canonical Notch ligand 1; minus strand). Cytogenetic location: 6q27.
Variant type: single nucleotide variant.
Coding change: c.1516G>A on transcript NM_005618.4 (MANE Select); coding-DNA position 1516, G replaced by A.
Protein change: p.Glu506Lys; replaces glutamic acid 506 with lysine.
Molecular consequence: missense variant.
Genome position (GRCh38, 1-based): chr6:170,283,763, C>T on the plus strand (G>A on the coding strand, the complement: DLL1 is on the minus strand). VCF-style: chr6-170283763-C-T. GRCh37 (hg19) VCF-style: chr6-170592851-C-T.
Other names: c.1516G>A (NM_005618.3); short protein forms E506K.
Identifiers: ClinVar variation 1582693 (VCV001582693.33), dbSNP rs17860716, ClinGen allele CA4106803.

ClinVar aggregate classification (germline): Benign/Likely benign. Review status: criteria provided, multiple submitters, no conflicts (2 of 4 stars). 3 submissions from 3 submitters: Benign (1); Likely benign (1). 1 of the submissions does not count toward it. Last evaluated 2026-01-11.

Conditions:
DLL1-related disorder. Also called: DLL1-related condition.

Allele frequency attached by ClinVar (database versions not stated): 1000 Genomes Project 30x 0.00016; 1000 Genomes Project 0.00020; gnomAD exomes 0.00045; TOPMed 0.00060; ESP Exome Variant Server 0.00062; gnomAD 0.00062 and 0.00063; ExAC 0.00079.
gnomAD v4.1: 1,424 of 1,585,032 alleles (0.09%); highest among the groups gnomAD compares: Non-Finnish European, 0.12%; no homozygotes.

Submissions (3):

Labcorp Genetics (formerly Invitae), Labcorp
Classification: Likely benign. Last evaluated: 2026-01-11. Review status: criteria provided, single submitter. Criteria: Invitae Variant Classification Sherloc (09022015). Collection method: clinical testing. Allele origin: germline.

CeGaT Center for Human Genetics Tuebingen
Classification: Benign. Last evaluated: 2022-07-01. Review status: criteria provided, single submitter. Criteria: CeGaT Center For Human Genetics Tuebingen Variant Classification Criteria Version 2. Collection method: clinical testing. Allele origin: germline. Affected: yes. Observed: 1 variant allele.
Comment: DLL1: BS1, BS2

PreventionGenetics, part of Exact Sciences
Classification: Likely benign for DLL1-related condition. Last evaluated: 2022-08-18. Review status: no assertion criteria provided. Collection method: clinical testing. Allele origin: germline. Not counted in ClinVar's aggregate classification.
Comment: This variant is classified as likely benign based on ACMG/AMP sequence variant interpretation guidelines (Richards et al. 2015 PMID: 25741868, with internal and published modifications).